The following is an entry in ClinVar:

ClinVar aggregate classification (germline): Uncertain significance (1 of 4 stars; one submission).

Allele frequency attached by ClinVar (database versions not stated): TOPMed 0.00003; ExAC 0.00002; gnomAD 0.00001; gnomAD exomes 0.00001.
gnomAD v4.1: 7 of 1,614,116 alleles (0.00043%); highest among the groups gnomAD compares: Admixed American, 0.0067%; no homozygotes.

Submission:

Labcorp Genetics (formerly Invitae), Labcorp
Classification: Uncertain significance. Last evaluated: 2025-12-15. Review status: criteria provided, single submitter. Criteria: Invitae Variant Classification Sherloc (09022015). Collection method: clinical testing. Allele origin: germline.
Comment: This sequence change replaces threonine, which is neutral and polar, with alanine, which is neutral and non-polar, at codon 377 of the ZNF687 protein (p.Thr377Ala). This variant is present in population databases (rs772264906, gnomAD 0.006%). This variant has not been reported in the literature in individuals affected with ZNF687-related conditions. ClinVar contains an entry for this variant (Variation ID: 2989012). An algorithm developed to predict the effect of missense changes on protein structure and function outputs the following: PolyPhen-2: "Benign". The alanine amino acid residue is found in multiple mammalian species, which suggests that this missense change does not adversely affect protein function. In summary, the available evidence is currently insufficient to determine the role of this variant in disease. Therefore, it has been classified as a Variant of Uncertain Significance.

NM_020832.3(ZNF687):c.1129A>G (p.Thr377Ala)

Gene: ZNF687 (zinc finger protein 687; plus strand). Cytogenetic location: 1q21.3.
Variant type: single nucleotide variant.
Coding change: c.1129A>G on transcript NM_020832.3 (MANE Select); coding-DNA position 1129, A replaced by G.
Protein change: p.Thr377Ala; replaces threonine 377 with alanine.
Molecular consequence: missense variant.
Genome position (GRCh38, 1-based): chr1:151,287,420, A>G. VCF-style: chr1-151287420-A-G. GRCh37 (hg19) VCF-style: chr1-151259896-A-G.
Other names: c.1129A>G, p.Thr377Ala (NM_001304763.2, NM_001304764.2); short protein forms T377A.
Identifiers: ClinVar variation 2989012 (VCV002989012.3), dbSNP rs772264906, ClinGen allele CA1088283.